The following is an entry in ClinVar:

NM_001195626.3(MLLT10):c.1226G>C (p.Gly409Ala)

Gene: MLLT10 (MLLT10 histone lysine methyltransferase DOT1L cofactor; plus strand). Cytogenetic location: 10p12.31.
Variant type: single nucleotide variant.
Coding change: c.1226G>C on transcript NM_001195626.3 (MANE Select); coding-DNA position 1226, G replaced by C.
Protein change: p.Gly409Ala; replaces glycine 409 with alanine.
Molecular consequence: missense variant. On other transcripts: non-coding transcript variant (1).
Genome position (GRCh38, 1-based): chr10:21,673,524, G>C. VCF-style: chr10-21673524-G-C. GRCh37 (hg19) VCF-style: chr10-21962453-G-C.
Other names: c.491G>C, p.Gly164Ala (NM_001324297.2); c.1226G>C, p.Gly409Ala (NM_004641.4); short protein forms G164A, G409A.
Identifiers: ClinVar variation 1034103 (VCV001034103.2), dbSNP rs150803413, ClinGen allele CA5434784.

ClinVar aggregate classification (germline): Uncertain significance. Review status: criteria provided, multiple submitters, no conflicts (2 of 4 stars). 2 submissions from 2 submitters: Uncertain significance (2). Last evaluated 2018-03-22.

Conditions:
Acute myeloid leukemia (AML). Also called: Acute myeloid leukemia, adult; AML adult; Acute non-lymphocytic leukemia; Acute granulocytic leukemia; Leukemia, acute myelogenous, somatic; Leukemia, acute myeloid, somatic. Identifiers: Orphanet 519, MedGen C0023467, MeSH D015470, MONDO:0018874, OMIM 601626, HP:0004808. Disease mechanism: Constitutively activated FLT3.

Allele frequency attached by ClinVar (database versions not stated): 1000 Genomes Project 0.00020; 1000 Genomes Project 30x 0.00031; TOPMed 0.00045; ESP Exome Variant Server 0.00062.
gnomAD v4.1: 886 of 1,613,656 alleles (0.055%); highest among the groups gnomAD compares: Admixed American, 0.19%; 2 homozygotes.

Submissions (2):

Baylor Genetics
Classification: Uncertain significance for Acute myeloid leukemia. Last evaluated: 2018-03-22. Review status: criteria provided, single submitter. Criteria: ACMG Guidelines, 2015. Collection method: clinical testing. Allele origin: maternal. Affected: yes.
Comment: This variant was determined to be of uncertain significance according to ACMG Guidelines, 2015 [PMID:25741868].

Breakthrough Genomics
Classification: Uncertain significance. Review status: criteria provided, single submitter. Criteria: ACMG Guidelines, 2015. Collection method: not provided. Allele origin: germline. Inheritance: Autosomal dominant inheritance. Affected: yes.